The following is an entry in ClinVar:

ClinVar aggregate classification (germline): Uncertain significance. Review status: criteria provided, multiple submitters, no conflicts (2 of 4 stars). 2 submissions from 2 submitters: Uncertain significance (2). Last evaluated 2025-01-14.

Conditions:
Colorectal cancer, hereditary nonpolyposis, type 7. Identifiers: Orphanet 144, MedGen C1858380, MONDO:0013725, OMIM 614385.

gnomAD v4.1: 1 of 1,613,208 alleles (0.000062%); no homozygotes.

Submissions (2):

Ambry Genetics
Classification: Uncertain significance. Last evaluated: 2025-01-14. Review status: criteria provided, single submitter. Criteria: Ambry Variant Classification Scheme 2023. Collection method: clinical testing. Allele origin: germline.
Comment: The p.G370R variant (also known as c.1108G>C), located in coding exon 1 of the MLH3 gene, results from a G to C substitution at nucleotide position 1108. The glycine at codon 370 is replaced by arginine, an amino acid with dissimilar properties. This amino acid position is poorly conserved in available vertebrate species. In addition, this alteration is predicted to be tolerated by in silico analysis. Since supporting evidence is limited at this time, the clinical significance of this alteration remains unclear.

Labcorp Genetics (formerly Invitae), Labcorp
Classification: Uncertain significance for Colorectal cancer, hereditary nonpolyposis, type 7. Last evaluated: 2024-11-16. Review status: criteria provided, single submitter. Criteria: Invitae Variant Classification Sherloc (09022015). Collection method: clinical testing. Allele origin: germline.
Comment: This sequence change replaces glycine, which is neutral and non-polar, with arginine, which is basic and polar, at codon 370 of the MLH3 protein (p.Gly370Arg). This variant is not present in population databases (gnomAD no frequency). This variant has not been reported in the literature in individuals affected with MLH3-related conditions. ClinVar contains an entry for this variant (Variation ID: 1794347). An algorithm developed to predict the effect of missense changes on protein structure and function (PolyPhen-2) suggests that this variant is likely to be tolerated. In summary, the available evidence is currently insufficient to determine the role of this variant in disease. Therefore, it has been classified as a Variant of Uncertain Significance.

NM_001040108.2(MLH3):c.1108G>C (p.Gly370Arg)

Gene: MLH3 (mutL homolog 3; minus strand). Cytogenetic location: 14q24.3.
Variant type: single nucleotide variant.
Coding change: c.1108G>C on transcript NM_001040108.2 (MANE Select); coding-DNA position 1108, G replaced by C.
Protein change: p.Gly370Arg; replaces glycine 370 with arginine.
Molecular consequence: missense variant.
Genome position (GRCh38, 1-based): chr14:75,048,548, C>G on the plus strand (G>C on the coding strand, the complement: MLH3 is on the minus strand). VCF-style: chr14-75048548-C-G. GRCh37 (hg19) VCF-style: chr14-75515251-C-G.
Other names: c.1108G>C, p.Gly370Arg (NM_014381.3); short protein forms G370R.
Identifiers: ClinVar variation 1794347 (VCV001794347.6), dbSNP rs996461763, ClinGen allele CA390447495.